The following is an entry in ClinVar:

NM_001367943.1(TCF7L2):c.1680C>T (p.Ala560=)

Gene: TCF7L2 (transcription factor 7 like 2; plus strand). Cytogenetic location: 10q25.3.
Variant type: single nucleotide variant.
Coding change: c.1680C>T on transcript NM_001367943.1 (MANE Select); coding-DNA position 1680, C replaced by T.
Protein change: p.Ala560=; no amino-acid change (alanine 560 retained).
Molecular consequence: synonymous variant. On other transcripts: 3 prime UTR variant (12).
Genome position (GRCh38, 1-based): chr10:113,165,792, C>T. VCF-style: chr10-113165792-C-T. GRCh37 (hg19) VCF-style: chr10-114925551-C-T.
Other names: c.1629C>T, p.Ala543= (NM_001146274.2); c.*158C>T (NM_001146283.2, NM_001146284.2, NM_001146286.2 and 4 more transcripts); c.1560C>T, p.Ala520= (NM_001146285.2, NM_001198526.2); c.*268C>T (NM_001198525.2); c.*256C>T (NM_001198527.2, NM_001198528.2, NM_001349870.2 and 1 more transcripts); c.1611C>T, p.Ala537= (NM_030756.5).
Identifiers: ClinVar variation 3058255 (VCV003058255.2), dbSNP rs375945855, ClinGen allele CA5693325.

ClinVar aggregate classification (germline): Likely benign (0 of 4 stars; one submission).

Conditions:
TCF7L2-related disorder. Also called: TCF7L2-related condition.

Allele frequency attached by ClinVar (database versions not stated): gnomAD exomes 0.00006; gnomAD 0.00008; ExAC 0.00010; ESP Exome Variant Server 0.00015; TOPMed 0.00018; 1000 Genomes Project 0.00020; 1000 Genomes Project 30x 0.00031.
gnomAD v4.1: 101 of 1,605,222 alleles (0.0063%); highest among the groups gnomAD compares: Admixed American, 0.096%; no homozygotes.

Submission:

PreventionGenetics, part of Exact Sciences
Classification: Likely benign for TCF7L2-related condition. Last evaluated: 2019-02-18. Review status: no assertion criteria provided. Collection method: clinical testing. Allele origin: germline.
Comment: This variant is classified as likely benign based on ACMG/AMP sequence variant interpretation guidelines (Richards et al. 2015 PMID: 25741868, with internal and published modifications).